The following is an entry in ClinVar:

ClinVar aggregate classification (germline): Uncertain significance (1 of 4 stars; one submission).

Conditions:
Charcot-Marie-Tooth disease axonal type 2C (HMSN2C). Also called: CHARCOT-MARIE-TOOTH DISEASE, AXONAL, AUTOSOMAL DOMINANT, TYPE 2C; Charcot-Marie-Tooth Neuropathy Type 2C; Charcot-Marie-Tooth Disease Type 2, TRPV4-Related (CMT2C). Identifiers: Orphanet 99937, MedGen C1853710, MONDO:0011633, OMIM 606071.

Allele frequency attached by ClinVar (database versions not stated): gnomAD exomes below 0.00001; TOPMed below 0.00001; gnomAD 0.00001.

Submission:

Labcorp Genetics (formerly Invitae), Labcorp
Classification: Uncertain significance for Charcot-Marie-Tooth disease axonal type 2C. Last evaluated: 2019-06-26. Review status: criteria provided, single submitter. Criteria: Invitae Variant Classification Sherloc (09022015). Collection method: clinical testing. Allele origin: germline.
Comment: In summary, the available evidence is currently insufficient to determine the role of this variant in disease. Therefore, it has been classified as a Variant of Uncertain Significance. Algorithms developed to predict the effect of missense changes on protein structure and function (SIFT, PolyPhen-2, Align-GVGD) all suggest that this variant is likely to be tolerated, but these predictions have not been confirmed by published functional studies and their clinical significance is uncertain. This variant has not been reported in the literature in individuals with TRPV4-related conditions. This variant is not present in population databases (ExAC no frequency). This sequence change replaces valine with isoleucine at codon 148 of the TRPV4 protein (p.Val148Ile). The valine residue is weakly conserved and there is a small physicochemical difference between valine and isoleucine.

NM_021625.5(TRPV4):c.442G>A (p.Val148Ile)

Gene: TRPV4 (transient receptor potential cation channel subfamily V member 4; minus strand). Cytogenetic location: 12q24.11.
Variant type: single nucleotide variant.
Coding change: c.442G>A on transcript NM_021625.5 (MANE Select); coding-DNA position 442, G replaced by A.
Protein change: p.Val148Ile; replaces valine 148 with isoleucine.
Molecular consequence: missense variant.
Genome position (GRCh38, 1-based): chr12:109,808,413, C>T on the plus strand (G>A on the coding strand, the complement: TRPV4 is on the minus strand). VCF-style: chr12-109808413-C-T. GRCh37 (hg19) VCF-style: chr12-110246218-C-T.
Other names: c.442G>A, p.Val148Ile (NM_001177428.2, NM_001177433.2, NM_147204.3); c.340G>A, p.Val114Ile (NM_001177431.2); short protein forms V148I, V114I.
Identifiers: ClinVar variation 952156 (VCV000952156.9), dbSNP rs998631604, ClinGen allele CA243474578.
Genomic context (GRCh38, chr12:109,808,413, plus strand): 5'-CGTCCAGGTCAGCAGTGGAGCCCCGGGACACGATGTCAAAGAGGATAGGCCGGTTGAAGA[C>T]TTTGAGGATGGGGGGCGGCTGAGGGGCAGGGGCTTTGGGGCTCTGCGGCTGCTTCCTGGA-3'
Protein context (NP_067638.3, residues 138-158): PAPQPPPILK[Val148Ile]FNRPILFDIV